The following is an entry in ClinVar:

ClinVar aggregate classification (germline): Uncertain significance (1 of 4 stars; one submission).

Conditions:
Encephalopathy, acute, infection-induced (herpes-specific), susceptibility to, 6. Also called: Herpes simplex encephalitis, susceptibility to, 4. Identifiers: Orphanet 1930, MedGen C3553869, MONDO:0013921, OMIM 614850.

Submission:

Labcorp Genetics (formerly Invitae), Labcorp
Classification: Uncertain significance for Encephalopathy, acute, infection-induced (herpes-specific), susceptibility to, 6. Last evaluated: 2024-12-02. Review status: criteria provided, single submitter. Criteria: Invitae Variant Classification Sherloc (09022015). Collection method: clinical testing. Allele origin: germline.
Comment: This sequence change replaces leucine, which is neutral and non-polar, with methionine, which is neutral and non-polar, at codon 102 of the TICAM1 protein (p.Leu102Met). This variant is not present in population databases (gnomAD no frequency). This variant has not been reported in the literature in individuals affected with TICAM1-related conditions. ClinVar contains an entry for this variant (Variation ID: 2849161). An algorithm developed to predict the effect of missense changes on protein structure and function (PolyPhen-2) suggests that this variant is likely to be disruptive. In summary, the available evidence is currently insufficient to determine the role of this variant in disease. Therefore, it has been classified as a Variant of Uncertain Significance.

NM_182919.4(TICAM1):c.304C>A (p.Leu102Met)

Gene: TICAM1 (TIR domain containing adaptor molecule 1; minus strand). Cytogenetic location: 19p13.3.
Variant type: single nucleotide variant.
Coding change: c.304C>A on transcript NM_182919.4 (MANE Select); coding-DNA position 304, C replaced by A.
Protein change: p.Leu102Met; replaces leucine 102 with methionine.
Molecular consequence: missense variant. On other transcripts: intron variant (1).
Genome position (GRCh38, 1-based): chr19:4,818,074, G>T on the plus strand (C>A on the coding strand, the complement: TICAM1 is on the minus strand). VCF-style: chr19-4818074-G-T. GRCh37 (hg19) VCF-style: chr19-4818086-G-T.
Other names: c.262C>A, p.Leu88Met (NM_001385678.1); c.169C>A, p.Leu57Met (NM_001385679.1); c.-71-268C>A (NM_001385680.1); short protein forms L88M, L102M, L57M.
Identifiers: ClinVar variation 2849161 (VCV002849161.3), dbSNP rs2512400243, ClinGen allele CA403492961.